The following is an entry in ClinVar:

ClinVar aggregate classification (germline): Uncertain significance. Review status: criteria provided, multiple submitters, no conflicts (2 of 4 stars). 2 submissions from 2 submitters: Uncertain significance (2). Last evaluated 2025-10-01.

Conditions:
Primary ciliary dyskinesia. Also called: Ciliary dyskinesia. Identifiers: Orphanet 244, MedGen C0008780, MONDO:0016575, HP:0012265.

Allele frequency attached by ClinVar (database versions not stated): ExAC 0.00002; TOPMed 0.00004.
gnomAD v4.1: 44 of 1,610,412 alleles (0.0027%); highest among the groups gnomAD compares: Admixed American, 0.017%; no homozygotes.

Submissions (2):

Labcorp Genetics (formerly Invitae), Labcorp
Classification: Uncertain significance for Primary ciliary dyskinesia. Last evaluated: 2025-10-01. Review status: criteria provided, single submitter. Criteria: Invitae Variant Classification Sherloc (09022015). Collection method: clinical testing. Allele origin: germline.
Comment: This sequence change replaces arginine, which is basic and polar, with cysteine, which is neutral and slightly polar, at codon 327 of the DNAAF3 protein (p.Arg327Cys). This variant is present in population databases (rs765974072, gnomAD 0.01%). This variant has not been reported in the literature in individuals affected with DNAAF3-related conditions. ClinVar contains an entry for this variant (Variation ID: 842019). Invitae Evidence Modeling of protein sequence and biophysical properties (such as structural, functional, and spatial information, amino acid conservation, physicochemical variation, residue mobility, and thermodynamic stability) has been performed for this missense variant. However, the output from this modeling did not meet the statistical confidence thresholds required to predict the impact of this variant on DNAAF3 protein function. In summary, the available evidence is currently insufficient to determine the role of this variant in disease. Therefore, it has been classified as a Variant of Uncertain Significance.

Ambry Genetics
Classification: Uncertain significance for Primary ciliary dyskinesia. Last evaluated: 2023-12-06. Review status: criteria provided, single submitter. Criteria: Ambry Variant Classification Scheme 2023. Collection method: clinical testing. Allele origin: germline.

NM_001256715.2(DNAAF3):c.775C>T (p.Arg259Cys)

Genes: DNAAF3 (dynein axonemal assembly factor 3; minus strand), DNAAF3-AS1 (DNAAF3 antisense RNA 1; plus strand). Cytogenetic location: 19q13.42.
Variant type: single nucleotide variant.
Coding change: c.775C>T on transcript NM_001256715.2 (MANE Select); coding-DNA position 775, C replaced by T.
Protein change: p.Arg259Cys; replaces arginine 259 with cysteine.
Molecular consequence: missense variant.
Genome position (GRCh38, 1-based): chr19:55,161,307, G>A on the plus strand (C>T on the coding strand, the complement: DNAAF3 is on the minus strand). VCF-style: chr19-55161307-G-A. GRCh37 (hg19) VCF-style: chr19-55672675-G-A.
Other names: c.613C>T, p.Arg205Cys (NM_001256716.2); c.916C>T, p.Arg306Cys (NM_178837.4); c.979C>T, p.Arg327Cys (NM_001256714.1); short protein forms R259C, R205C, R306C, R327C.
Identifiers: ClinVar variation 842019 (VCV000842019.9), dbSNP rs765974072, ClinGen allele CA9668074.
Genomic context (GRCh38, chr19:55,161,307, plus strand): 5'-GACTCCGAGCAGCAGCAGTGGGCCAGGACAGGCAGTGGACACGCACGTAGCTCAGGAGGC[G>A]ACCGGACGCCAGGGTCCGGTTGGGCACATGATAGGCGCTGGAGTCCCTGAGTTCAAAGGC-3'
Protein context (NP_001243644.1, residues 249-269): HVPNRTLASG[Arg259Cys]LLSYRGERVA